The following is an entry in ClinVar:

NM_000071.3(CBS):c.1359-9G>A

Gene: CBS (cystathionine beta-synthase; minus strand). Cytogenetic location: 21q22.3.
Variant type: single nucleotide variant.
Coding change: c.1359-9G>A on transcript NM_000071.3 (MANE Select); 9 bases into the intron before coding-DNA position 1359, G replaced by A.
Molecular consequence: intron variant.
Genome position (GRCh38, 1-based): chr21:43,058,262, C>T on the plus strand (G>A on the coding strand, the complement: CBS is on the minus strand). VCF-style: chr21-43058262-C-T. GRCh37 (hg19) VCF-style: chr21-44478372-C-T.
Other names: c.1359-9G>A (NM_001320298.2, NM_001178009.3, NM_001178008.3); c.1044-9G>A (NM_001321072.1).
Identifiers: ClinVar variation 509307 (VCV000509307.16), dbSNP rs202137317, ClinGen allele CA321687541.
Genomic context (GRCh38, chr21:43,058,262, plus strand): 5'-GGCAAGCAGGGACGAGAGCATGTTCCCAAGCGTCACCATTCCCAGGATTACCCTGTGGGA[C>T]GGGGGCAGGCAGGGGTCAGCGCTCATACCTCACCCCTCCCAGGACGGTGGGGCACACGCT-3'

ClinVar aggregate classification (germline): Likely benign. Review status: criteria provided, multiple submitters, no conflicts (2 of 4 stars). 4 submissions from 4 submitters: Likely benign (4). Last evaluated 2026-02-22.

Conditions:
HYPERHOMOCYSTEINEMIA, THROMBOTIC, CBS-RELATED. Identifiers: MedGen C3150344, OMIM 236200.
CBS-related disorder. Also called: CBS-related condition.

Allele frequency attached by ClinVar (database versions not stated): gnomAD 0.00003; ExAC 0.00008; ESP Exome Variant Server 0.00008; gnomAD exomes 0.00010; 1000 Genomes Project 0.00040.

Submissions (4):

PreventionGenetics, part of Exact Sciences
Classification: Likely benign for CBS-related condition. Last evaluated: 2026-02-22. Review status: criteria provided, single submitter. Criteria: ACMG Guidelines, 2015. Collection method: clinical testing. Allele origin: germline.
Comment: This variant is classified as likely benign based on ACMG/AMP sequence variant interpretation guidelines (Richards et al. 2015 PMID: 25741868, with internal and published modifications).

Labcorp Genetics (formerly Invitae), Labcorp
Classification: Likely benign for HYPERHOMOCYSTEINEMIA, THROMBOTIC, CBS-RELATED. Last evaluated: 2026-02-01. Review status: criteria provided, single submitter. Criteria: Invitae Variant Classification Sherloc (09022015). Collection method: clinical testing. Allele origin: germline.

Blueprint Genetics
Classification: Likely benign. Last evaluated: 2024-10-22. Review status: criteria provided, single submitter. Criteria: ACMG Guidelines, 2015. Collection method: clinical testing. Allele origin: germline.

GeneDx
Classification: Likely benign. Last evaluated: 2019-09-11. Review status: criteria provided, single submitter. Criteria: GeneDx Variant Classification Process June 2021. Collection method: clinical testing. Allele origin: germline. Affected: yes.